The following is an entry in ClinVar:

ClinVar aggregate classification (germline): Uncertain significance (1 of 4 stars; one submission).

Conditions:
Long QT syndrome (LQTS). Identifiers: MedGen C0023976, MeSH D008133, MONDO:0002442. Disease mechanism: loss of function. Inheritance: Various modes of inheritance.

Allele frequency attached by ClinVar (database versions not stated): TOPMed below 0.00001.
gnomAD v4.1: 2 of 1,613,828 alleles (0.00012%); highest among the groups gnomAD compares: Non-Finnish European, 0.00017%; no homozygotes.

Submission:

Labcorp Genetics (formerly Invitae), Labcorp
Classification: Uncertain significance for Long QT syndrome. Last evaluated: 2023-03-07. Review status: criteria provided, single submitter. Criteria: Invitae Variant Classification Sherloc (09022015). Collection method: clinical testing. Allele origin: germline.
Comment: Algorithms developed to predict the effect of missense changes on protein structure and function output the following: SIFT: "Not Available"; PolyPhen-2: "Benign"; Align-GVGD: "Not Available". The proline amino acid residue is found in multiple mammalian species, which suggests that this missense change does not adversely affect protein function. This variant has not been reported in the literature in individuals affected with AKAP9-related conditions. This variant is not present in population databases (gnomAD no frequency). This sequence change replaces serine, which is neutral and polar, with proline, which is neutral and non-polar, at codon 2485 of the AKAP9 protein (p.Ser2485Pro). In summary, the available evidence is currently insufficient to determine the role of this variant in disease. Therefore, it has been classified as a Variant of Uncertain Significance.

NM_005751.5(AKAP9):c.7453T>C (p.Ser2485Pro)

Gene: AKAP9 (A-kinase anchoring protein 9; plus strand). Cytogenetic location: 7q21.2.
Variant type: single nucleotide variant.
Coding change: c.7453T>C on transcript NM_005751.5 (MANE Select); coding-DNA position 7453, T replaced by C.
Protein change: p.Ser2485Pro; replaces serine 2485 with proline.
Molecular consequence: missense variant.
Genome position (GRCh38, 1-based): chr7:92,079,586, T>C. VCF-style: chr7-92079586-T-C. GRCh37 (hg19) VCF-style: chr7-91708900-T-C.
Other names: c.7429T>C, p.Ser2477Pro (NM_147185.3); c.2098T>C, p.Ser700Pro (NM_001379277.1); short protein forms S2477P, S2485P, S700P.
Identifiers: ClinVar variation 2816610 (VCV002816610.3), dbSNP rs1813180723, ClinGen allele CA368135766.